The following is an entry in ClinVar:

NM_000540.3(RYR1):c.10627-9T>C

Gene: RYR1 (ryanodine receptor 1; plus strand). Cytogenetic location: 19q13.2.
Variant type: single nucleotide variant.
Coding change: c.10627-9T>C on transcript NM_000540.3 (MANE Select); 9 bases into the intron before coding-DNA position 10627, T replaced by C.
Molecular consequence: intron variant.
Genome position (GRCh38, 1-based): chr19:38,526,984, T>C. VCF-style: chr19-38526984-T-C. GRCh37 (hg19) VCF-style: chr19-39017624-T-C.
Other names: c.10612-9T>C (NM_001042723.2).
Identifiers: ClinVar variation 1922075 (VCV001922075.2), dbSNP rs1971494176, ClinGen allele CA507236792.
Genomic context (GRCh38, chr19:38,526,984, plus strand): 5'-GGAAAGGGTTGTGGGTCAGGAAGGAGGATGGGACCTCCAGAGTGACCCAGCCTGGCTCTG[T>C]CTCCCCAGAAAGACACAGATGAGGAGGTCCGGGAATTTCTGCACAACAACCTTCACCTTC-3'

ClinVar aggregate classification (germline): Uncertain significance (1 of 4 stars; one submission).

Conditions:
RYR1-related disorder. Also called: RYR1-related condition; RYR1-related disorders. Identifiers: MedGen CN239331.

Allele frequency attached by ClinVar (database versions not stated): TOPMed below 0.00001.
gnomAD v4.1: 14 of 1,613,612 alleles (0.00087%); highest among the groups gnomAD compares: Non-Finnish European, 0.0011%; no homozygotes.

Submission:

Labcorp Genetics (formerly Invitae), Labcorp
Classification: Uncertain significance for RYR1-related disorder. Last evaluated: 2022-05-15. Review status: criteria provided, single submitter. Criteria: Invitae Variant Classification Sherloc (09022015). Collection method: clinical testing. Allele origin: germline.
Comment: This sequence change falls in intron 71 of the RYR1 gene. It does not directly change the encoded amino acid sequence of the RYR1 protein. This variant is not present in population databases (gnomAD no frequency). This variant has not been reported in the literature in individuals affected with RYR1-related conditions. Algorithms developed to predict the effect of sequence changes on RNA splicing suggest that this variant may disrupt the consensus splice site. In summary, the available evidence is currently insufficient to determine the role of this variant in disease. Therefore, it has been classified as a Variant of Uncertain Significance.